The following is an entry in ClinVar:

NM_017934.7(PHIP):c.2715A>G (p.Glu905=)

Gene: PHIP (PHIP subunit of CUL4-Ring ligase complex; minus strand). Cytogenetic location: 6q14.1.
Variant type: single nucleotide variant.
Coding change: c.2715A>G on transcript NM_017934.7 (MANE Select); coding-DNA position 2715, A replaced by G.
Protein change: p.Glu905=; no amino-acid change (glutamic acid 905 retained).
Molecular consequence: synonymous variant.
Genome position (GRCh38, 1-based): chr6:78,982,940, T>C on the plus strand (A>G on the coding strand, the complement: PHIP is on the minus strand). VCF-style: chr6-78982940-T-C. GRCh37 (hg19) VCF-style: chr6-79692657-T-C.
Identifiers: ClinVar variation 3355308 (VCV003355308.3).
Genomic context (GRCh38, chr6:78,982,940, plus strand): 5'-CCAAACCTTTTGTTTTCTTTCTTTGGGCTTCTTTTTCTTTGGTGATATTGGTCCATCTTT[T>C]TCTTCATTTACTTTTTTCTTTTCCTTTTTAATCTGTTTTTGCTTCTGTTTTTCAGATTCT-3'
Protein context (NP_060404.4, residues 895-915): IKKEKKKVNE[Glu905=]KDGPISPKKK

ClinVar aggregate classification (germline): Likely benign. Review status: criteria provided, single submitter (1 of 4 stars). 2 submissions from 2 submitters: Likely benign (1). 1 of the submissions does not count toward it. Last evaluated 2025-03-19.

Conditions:
PHIP-related disorder. Also called: PHIP-related condition; PHIP-related disorders.

gnomAD v4.1: 6 of 1,599,418 alleles (0.00038%); highest among the groups gnomAD compares: African/African-American, 0.0068%; no homozygotes.

Submissions (2):

Labcorp Genetics (formerly Invitae), Labcorp
Classification: Likely benign. Last evaluated: 2025-03-19. Review status: criteria provided, single submitter. Criteria: Invitae Variant Classification Sherloc (09022015). Collection method: clinical testing. Allele origin: germline.

PreventionGenetics, part of Exact Sciences
Classification: Likely benign for PHIP-related condition. Last evaluated: 2021-12-30. Review status: no assertion criteria provided. Collection method: clinical testing. Allele origin: germline. Not counted in ClinVar's aggregate classification.
Comment: This variant is classified as likely benign based on ACMG/AMP sequence variant interpretation guidelines (Richards et al. 2015 PMID: 25741868, with internal and published modifications).